The following is an entry in ClinVar:

ClinVar aggregate classification (germline): Uncertain significance (1 of 4 stars; one submission).

Submission:

Labcorp Genetics (formerly Invitae), Labcorp
Classification: Uncertain significance. Last evaluated: 2024-08-21. Review status: criteria provided, single submitter. Criteria: Invitae Variant Classification Sherloc (09022015). Collection method: clinical testing. Allele origin: germline.
Comment: This sequence change replaces phenylalanine, which is neutral and non-polar, with serine, which is neutral and polar, at codon 621 of the TFRC protein (p.Phe621Ser). This variant is not present in population databases (gnomAD no frequency). This variant has not been reported in the literature in individuals affected with TFRC-related conditions. ClinVar contains an entry for this variant (Variation ID: 1941728). Invitae Evidence Modeling of protein sequence and biophysical properties (such as structural, functional, and spatial information, amino acid conservation, physicochemical variation, residue mobility, and thermodynamic stability) indicates that this missense variant is not expected to disrupt TFRC protein function with a negative predictive value of 80%. In summary, the available evidence is currently insufficient to determine the role of this variant in disease. Therefore, it has been classified as a Variant of Uncertain Significance.

NM_001128148.3(TFRC):c.1862T>C (p.Phe621Ser)

Gene: TFRC (transferrin receptor; minus strand). Cytogenetic location: 3q29.
Variant type: single nucleotide variant.
Coding change: c.1862T>C on transcript NM_001128148.3 (MANE Select); coding-DNA position 1862, T replaced by C.
Protein change: p.Phe621Ser; replaces phenylalanine 621 with serine.
Molecular consequence: missense variant.
Genome position (GRCh38, 1-based): chr3:196,055,117, A>G on the plus strand (T>C on the coding strand, the complement: TFRC is on the minus strand). VCF-style: chr3-196055117-A-G. GRCh37 (hg19) VCF-style: chr3-195781988-A-G.
Other names: c.1619T>C, p.Phe540Ser (NM_001313965.2); c.1016T>C, p.Phe339Ser (NM_001313966.2); c.1862T>C, p.Phe621Ser (NM_003234.4); short protein forms F339S, F540S, F621S.
Identifiers: ClinVar variation 1941728 (VCV001941728.5), dbSNP rs2473937115, ClinGen allele CA355562391.